The following is an entry in ClinVar:

ClinVar aggregate classification (germline): Uncertain significance (1 of 4 stars; one submission).

Conditions:
Eichsfeld type congenital muscular dystrophy (CMYO3). Also called: MYOPATHY, SEPN1-RELATED; SELENON-related myopathy; Congenital myopathy 3 with rigid spine; Rigid spine muscular dystrophy 1. Identifiers: MedGen C0410180, MONDO:0100100, OMIM 602771.

Allele frequency attached by ClinVar (database versions not stated): ExAC 0.00001; gnomAD 0.00001; gnomAD exomes 0.00001.
gnomAD v4.1: 5 of 1,614,086 alleles (0.00031%); highest among the groups gnomAD compares: Non-Finnish European, 0.00042%; no homozygotes.

Submission:

Labcorp Genetics (formerly Invitae), Labcorp
Classification: Uncertain significance for Eichsfeld type congenital muscular dystrophy. Last evaluated: 2023-11-27. Review status: criteria provided, single submitter. Criteria: Invitae Variant Classification Sherloc (09022015). Collection method: clinical testing. Allele origin: germline.
Comment: This sequence change replaces lysine, which is basic and polar, with threonine, which is neutral and polar, at codon 174 of the SELENON protein (p.Lys174Thr). This variant is present in population databases (rs770305372, gnomAD 0.003%). This variant has not been reported in the literature in individuals affected with SELENON-related conditions. ClinVar contains an entry for this variant (Variation ID: 1356965). Advanced modeling of protein sequence and biophysical properties (such as structural, functional, and spatial information, amino acid conservation, physicochemical variation, residue mobility, and thermodynamic stability) has been performed at Invitae for this missense variant, however the output from this modeling did not meet the statistical confidence thresholds required to predict the impact of this variant on SELENON protein function. In summary, the available evidence is currently insufficient to determine the role of this variant in disease. Therefore, it has been classified as a Variant of Uncertain Significance.

NM_206926.2(SELENON):c.419A>C (p.Lys140Thr)

Gene: SELENON (selenoprotein N; plus strand). Cytogenetic location: 1p36.11.
Variant type: single nucleotide variant.
Coding change: c.419A>C on transcript NM_206926.2 (MANE Select); coding-DNA position 419, A replaced by C.
Protein change: p.Lys140Thr; replaces lysine 140 with threonine.
Molecular consequence: missense variant.
Genome position (GRCh38, 1-based): chr1:25,805,259, A>C. VCF-style: chr1-25805259-A-C. GRCh37 (hg19) VCF-style: chr1-26131750-A-C.
Other names: c.521A>C, p.Lys174Thr (NM_020451.3); short protein forms K140T, K174T.
Identifiers: ClinVar variation 1356965 (VCV001356965.6), dbSNP rs770305372, ClinGen allele CA696521.